The following is an entry in ClinVar:

NM_000138.5(FBN1):c.3906A>G (p.Ser1302=)

Gene: FBN1 (fibrillin 1; minus strand). Cytogenetic location: 15q21.1.
Variant type: single nucleotide variant.
Coding change: c.3906A>G on transcript NM_000138.5 (MANE Select); coding-DNA position 3906, A replaced by G.
Protein change: p.Ser1302=; no amino-acid change (serine 1302 retained).
Molecular consequence: synonymous variant.
Genome position (GRCh38, 1-based): chr15:48,481,713, T>C on the plus strand (A>G on the coding strand, the complement: FBN1 is on the minus strand). VCF-style: chr15-48481713-T-C. GRCh37 (hg19) VCF-style: chr15-48773910-T-C.
Identifiers: ClinVar variation 922007 (VCV000922007.22), dbSNP rs756186103, ClinGen allele CA051702.

ClinVar aggregate classification (germline): Likely benign. Review status: criteria provided, multiple submitters, no conflicts (2 of 4 stars). 6 submissions from 6 submitters: Likely benign (6). Last evaluated 2025-09-15.

Conditions:
Familial thoracic aortic aneurysm and aortic dissection (TAAD). Also called: Thoracic aortic aneurysms and dissections. Identifiers: Orphanet 91387, MedGen C4707243, MONDO:0019625.
Marfan syndrome (MFS). Also called: Marfan syndrome type 1; Marfan's syndrome; FBN1-Related Marfan Syndrome; MARFAN SYNDROME, TYPE I; Marfan syndrome, classic. Identifiers: Orphanet 284963, Orphanet 558, MedGen C0024796, MONDO:0007947, OMIM 154700.

Allele frequency attached by ClinVar (database versions not stated): ExAC 0.00002; gnomAD exomes 0.00002; TOPMed 0.00002; gnomAD 0.00003.
gnomAD v4.1: 29 of 1,613,786 alleles (0.0018%); highest among the groups gnomAD compares: Middle Eastern, 0.016%; no homozygotes.

Submissions (6):

Labcorp Genetics (formerly Invitae), Labcorp
Classification: Likely benign for Marfan syndrome; Familial thoracic aortic aneurysm and aortic dissection. Last evaluated: 2025-09-15. Review status: criteria provided, single submitter. Criteria: Invitae Variant Classification Sherloc (09022015). Collection method: clinical testing. Allele origin: germline.

CeGaT Center for Human Genetics Tuebingen
Classification: Likely benign. Last evaluated: 2025-01-01. Review status: criteria provided, single submitter. Criteria: CeGaT Center For Human Genetics Tuebingen Variant Classification Criteria Version 2. Collection method: clinical testing. Allele origin: germline. Affected: yes. Observed: 1 variant allele.
Comment: FBN1: BP4, BP7

All of Us Research Program, National Institutes of Health
Classification: Likely benign for Marfan syndrome. Last evaluated: 2024-08-30. Review status: criteria provided, single submitter. Criteria: ACMG Guidelines, 2015. Collection method: clinical testing. Allele origin: germline. Inheritance: Autosomal dominant inheritance. Observed: 6 variant alleles, 6 heterozygotes.
Comment: This study involves interpretation of variants in research participants for the purpose of population health screening. Participant phenotype was not available at the time of variant classification. Additional details can be found in publication PMID: 35346344, PMCID: PMC8962531

Ambry Genetics
Classification: Likely benign for Familial thoracic aortic aneurysm and aortic dissection. Last evaluated: 2022-12-19. Review status: criteria provided, single submitter. Criteria: Ambry Variant Classification Scheme 2023. Collection method: clinical testing. Allele origin: germline.

Women's Health and Genetics/Laboratory Corporation of America, LabCorp
Classification: Likely benign. Last evaluated: 2020-01-31. Review status: criteria provided, single submitter. Criteria: LabCorp Variant Classification Summary - May 2015. Collection method: clinical testing. Allele origin: germline.

Color Diagnostics, LLC DBA Color Health
Classification: Likely benign for Familial thoracic aortic aneurysm and aortic dissection. Last evaluated: 2018-11-27. Review status: criteria provided, single submitter. Criteria: ACMG Guidelines, 2015. Collection method: clinical testing. Allele origin: germline.